The following is an entry in ClinVar:

NM_006567.5(FARS2):c.4G>T (p.Val2Leu)

Genes: FARS2 (phenylalanyl-tRNA synthetase 2, mitochondrial; plus strand), LOC126859565 (CDK7 strongly-dependent group 2 enhancer GRCh37_chr6:5368745-5369944; plus strand). Cytogenetic location: 6p25.1.
Variant type: single nucleotide variant.
Coding change: c.4G>T on transcript NM_006567.5 (MANE Select); coding-DNA position 4, G replaced by T.
Protein change: p.Val2Leu; replaces valine 2 with leucine.
Molecular consequence: missense variant. On other transcripts: intron variant (2).
Genome position (GRCh38, 1-based): chr6:5,368,574, G>T. VCF-style: chr6-5368574-G-T. GRCh37 (hg19) VCF-style: chr6-5368807-G-T.
Other names: c.4G>T, p.Val2Leu (NM_001318872.2, NM_001374875.1, NM_001374876.1 and 5 more transcripts); c.-340-28059G>T (NM_001375260.1); c.-84-35968G>T (NM_001375259.1); short protein forms V2L.
Identifiers: ClinVar variation 861687 (VCV000861687.8), dbSNP rs759961408, ClinGen allele CA3623576.

ClinVar aggregate classification (germline): Uncertain significance (1 of 4 stars; one submission).

Conditions:
Combined oxidative phosphorylation defect type 14. Also called: Combined oxidative phosphorylation deficiency 14. Identifiers: Orphanet 319519, MedGen C4755312, MONDO:0013986, OMIM 614946.

Allele frequency attached by ClinVar (database versions not stated): gnomAD exomes below 0.00001 and 0.00001; gnomAD 0.00001; TOPMed 0.00001; ExAC 0.00002.
gnomAD v4.1: 8 of 1,605,574 alleles (0.0005%); highest among the groups gnomAD compares: Non-Finnish European, 0.00068%; no homozygotes.

Submission:

Labcorp Genetics (formerly Invitae), Labcorp
Classification: Uncertain significance for Combined oxidative phosphorylation defect type 14. Last evaluated: 2022-09-27. Review status: criteria provided, single submitter. Criteria: Invitae Variant Classification Sherloc (09022015). Collection method: clinical testing. Allele origin: germline.
Comment: In summary, the available evidence is currently insufficient to determine the role of this variant in disease. Therefore, it has been classified as a Variant of Uncertain Significance. Advanced modeling of protein sequence and biophysical properties (such as structural, functional, and spatial information, amino acid conservation, physicochemical variation, residue mobility, and thermodynamic stability) performed at Invitae indicates that this missense variant is not expected to disrupt FARS2 protein function. ClinVar contains an entry for this variant (Variation ID: 861687). This variant has not been reported in the literature in individuals affected with FARS2-related conditions. This variant is present in population databases (rs759961408, gnomAD 0.002%). This sequence change replaces valine, which is neutral and non-polar, with leucine, which is neutral and non-polar, at codon 2 of the FARS2 protein (p.Val2Leu).